The following is an entry in ClinVar:

ClinVar aggregate classification (germline): Uncertain significance. Review status: criteria provided, multiple submitters, no conflicts (2 of 4 stars). 4 submissions from 4 submitters: Uncertain significance (4). Last evaluated 2024-04-14.

Conditions:
Alagille syndrome due to a NOTCH2 point mutation. Also called: Alagille syndrome 2. Identifiers: Orphanet 261629, Orphanet 52, MedGen C1857761, MONDO:0012439, OMIM 610205.
Hajdu-Cheney syndrome (HJCYS). Also called: SERPENTINE FIBULA-POLYCYSTIC KIDNEY SYNDROME; Acroosteolysis dominant type; ACROOSTEOLYSIS WITH OSTEOPOROSIS AND CHANGES IN SKULL AND MANDIBLE. Identifiers: Orphanet 955, MedGen C0917715, MONDO:0007057, OMIM 102500.

Allele frequency attached by ClinVar (database versions not stated): TOPMed 0.00002.
gnomAD v4.1: 13 of 1,614,140 alleles (0.00081%); highest among the groups gnomAD compares: South Asian, 0.0022%; no homozygotes.

Submissions (4):

Labcorp Genetics (formerly Invitae), Labcorp
Classification: Uncertain significance for Hajdu-Cheney syndrome. Last evaluated: 2024-04-14. Review status: criteria provided, single submitter. Criteria: Invitae Variant Classification Sherloc (09022015). Collection method: clinical testing. Allele origin: germline.
Comment: This sequence change replaces glutamic acid, which is acidic and polar, with lysine, which is basic and polar, at codon 1488 of the NOTCH2 protein (p.Glu1488Lys). This variant is present in population databases (no rsID available, gnomAD 0.0009%). This variant has not been reported in the literature in individuals affected with NOTCH2-related conditions. Advanced modeling of protein sequence and biophysical properties (such as structural, functional, and spatial information, amino acid conservation, physicochemical variation, residue mobility, and thermodynamic stability) performed at Invitae indicates that this missense variant is not expected to disrupt NOTCH2 protein function with a negative predictive value of 80%. In summary, the available evidence is currently insufficient to determine the role of this variant in disease. Therefore, it has been classified as a Variant of Uncertain Significance.

Fulgent Genetics
Classification: Uncertain significance for Hajdu-Cheney syndrome; Alagille syndrome due to a NOTCH2 point mutation. Last evaluated: 2024-03-28. Review status: criteria provided, single submitter. Criteria: ACMG Guidelines, 2015. Collection method: clinical testing. Allele origin: germline.

GeneDx
Classification: Uncertain significance. Last evaluated: 2023-08-17. Review status: criteria provided, single submitter. Criteria: GeneDx Variant Classification Process June 2021. Collection method: clinical testing. Allele origin: germline. Affected: yes.
Comment: Not observed at significant frequency in large population cohorts (gnomAD); In silico analysis supports that this missense variant does not alter protein structure/function; Has not been previously published as pathogenic or benign to our knowledge

Revvity Omics, Revvity
Classification: Uncertain significance. Last evaluated: 2023-02-10. Review status: criteria provided, single submitter. Criteria: ACMG Guidelines, 2015. Collection method: clinical testing. Allele origin: germline.

NM_024408.4(NOTCH2):c.4462G>A (p.Glu1488Lys)

Gene: NOTCH2 (notch receptor 2; minus strand). Cytogenetic location: 1p12.
Variant type: single nucleotide variant.
Coding change: c.4462G>A on transcript NM_024408.4 (MANE Select); coding-DNA position 4462, G replaced by A.
Protein change: p.Glu1488Lys; replaces glutamic acid 1488 with lysine.
Molecular consequence: missense variant.
Genome position (GRCh38, 1-based): chr1:119,925,354, C>T on the plus strand (G>A on the coding strand, the complement: NOTCH2 is on the minus strand). VCF-style: chr1-119925354-C-T. GRCh37 (hg19) VCF-style: chr1-120467977-C-T.
Other names: c.4462G>A (NM_024408.3); short protein forms E1488K.
Identifiers: ClinVar variation 2689595 (VCV002689595.7), dbSNP rs1131691315, ClinGen allele CA341889798.